The following is an entry in ClinVar:

ClinVar aggregate classification (germline): Benign/Likely benign. Review status: criteria provided, multiple submitters, no conflicts (2 of 4 stars). 4 submissions from 4 submitters: Benign (2); Likely benign (2). Last evaluated 2026-07-01.

Allele frequency attached by ClinVar (database versions not stated): gnomAD 0.00034 and 0.00035; gnomAD exomes 0.00042; TOPMed 0.00043; 1000 Genomes Project 30x 0.00078; ExAC 0.00191.
gnomAD v4.1: 133 of 1,105,814 alleles (0.012%); highest among the groups gnomAD compares: East Asian, 0.53%; 1 homozygote.

Submissions (4):

CeGaT Center for Human Genetics Tuebingen
Classification: Likely benign. Last evaluated: 2026-07-01. Review status: criteria provided, single submitter. Criteria: CeGaT Center For Human Genetics Tuebingen Variant Classification Criteria Version 2. Collection method: clinical testing. Allele origin: germline. Affected: yes. Observed: 1 variant allele.
Comment: MYCN: PP2, BS1

Labcorp Genetics (formerly Invitae), Labcorp
Classification: Benign. Last evaluated: 2026-01-27. Review status: criteria provided, single submitter. Criteria: Invitae Variant Classification Sherloc (09022015). Collection method: clinical testing. Allele origin: germline.

Blueprint Genetics
Classification: Likely benign. Last evaluated: 2024-10-16. Review status: criteria provided, single submitter. Criteria: ACMG Guidelines, 2015. Collection method: clinical testing. Allele origin: germline.

GeneDx
Classification: Benign. Last evaluated: 2020-11-16. Review status: criteria provided, single submitter. Criteria: GeneDx Variant Classification Process June 2021. Collection method: clinical testing. Allele origin: germline. Affected: yes.
Comment: This variant is associated with the following publications: (PMID: 32939388, 29786759, 24819706)

NM_005378.6(MYCN):c.550G>T (p.Ala184Ser)

Gene: MYCN (MYCN proto-oncogene, bHLH transcription factor; plus strand). Cytogenetic location: 2p24.3.
Variant type: single nucleotide variant.
Coding change: c.550G>T on transcript NM_005378.6 (MANE Select); coding-DNA position 550, G replaced by T.
Protein change: p.Ala184Ser; replaces alanine 184 with serine.
Molecular consequence: missense variant. On other transcripts: 3 prime UTR variant (1), intron variant (1).
Genome position (GRCh38, 1-based): chr2:15,942,614, G>T. VCF-style: chr2-15942614-G-T. GRCh37 (hg19) VCF-style: chr2-16082736-G-T.
Other names: c.550G>T, p.Ala184Ser (NM_001293228.2); c.*485G>T (NM_001293233.2); c.157+1871G>T (NM_001293231.2); short protein forms A184S.
Identifiers: ClinVar variation 1164632 (VCV001164632.11), dbSNP rs768583620, ClinGen allele CA1538193.